The following is an entry in ClinVar:

ClinVar aggregate classification (germline): Uncertain significance (1 of 4 stars; one submission).

Submission:

Labcorp Genetics (formerly Invitae), Labcorp
Classification: Uncertain significance. Last evaluated: 2021-12-16. Review status: criteria provided, single submitter. Criteria: Invitae Variant Classification Sherloc (09022015). Collection method: clinical testing. Allele origin: germline.
Comment: This sequence change replaces alanine, which is neutral and non-polar, with valine, which is neutral and non-polar, at codon 1322 of the OBSL1 protein (p.Ala1322Val). This variant is not present in population databases (gnomAD no frequency). This variant has not been reported in the literature in individuals affected with OBSL1-related conditions. Algorithms developed to predict the effect of missense changes on protein structure and function (SIFT, PolyPhen-2, Align-GVGD) all suggest that this variant is likely to be tolerated. Algorithms developed to predict the effect of sequence changes on RNA splicing suggest that this variant may create or strengthen a splice site. In summary, the available evidence is currently insufficient to determine the role of this variant in disease. Therefore, it has been classified as a Variant of Uncertain Significance.

NM_015311.3(OBSL1):c.3965C>T (p.Ala1322Val)

Gene: OBSL1 (obscurin like cytoskeletal adaptor 1; minus strand). Cytogenetic location: 2q35.
Variant type: single nucleotide variant.
Coding change: c.3965C>T on transcript NM_015311.3 (MANE Select); coding-DNA position 3965, C replaced by T.
Protein change: p.Ala1322Val; replaces alanine 1322 with valine.
Molecular consequence: missense variant.
Genome position (GRCh38, 1-based): chr2:219,557,444, G>A on the plus strand (C>T on the coding strand, the complement: OBSL1 is on the minus strand). VCF-style: chr2-219557444-G-A. GRCh37 (hg19) VCF-style: chr2-220422166-G-A.
Other names: c.3965C>T, p.Ala1322Val (NM_001173431.2); short protein forms A1322V.
Identifiers: ClinVar variation 1963729 (VCV001963729.2), dbSNP rs1269916473, ClinGen allele CA350732925.